The following is an entry in ClinVar:

ClinVar aggregate classification (germline): Uncertain significance (1 of 4 stars; one submission).

Allele frequency attached by ClinVar (database versions not stated): TOPMed 0.00008; ExAC 0.00014.

Submission:

Labcorp Genetics (formerly Invitae), Labcorp
Classification: Uncertain significance. Last evaluated: 2026-01-12. Review status: criteria provided, single submitter. Criteria: Invitae Variant Classification Sherloc (09022015). Collection method: clinical testing. Allele origin: germline.
Comment: This sequence change replaces glutamine, which is neutral and polar, with arginine, which is basic and polar, at codon 11 of the MOCS3 protein (p.Gln11Arg). This variant is present in population databases (rs749687549, gnomAD 0.2%), and has an allele count higher than expected for a pathogenic variant. This variant has not been reported in the literature in individuals affected with MOCS3-related conditions. ClinVar contains an entry for this variant (Variation ID: 1356730). An algorithm developed to predict the effect of missense changes on protein structure and function outputs the following: PolyPhen-2: "Benign". The arginine amino acid residue is found in multiple mammalian species, which suggests that this missense change does not adversely affect protein function. In summary, the available evidence is currently insufficient to determine the role of this variant in disease. Therefore, it has been classified as a Variant of Uncertain Significance.

NM_014484.5(MOCS3):c.32A>G (p.Gln11Arg)

Gene: MOCS3 (molybdenum cofactor synthesis 3; plus strand). Cytogenetic location: 20q13.13.
Variant type: single nucleotide variant.
Coding change: c.32A>G on transcript NM_014484.5 (MANE Select); coding-DNA position 32, A replaced by G.
Protein change: p.Gln11Arg; replaces glutamine 11 with arginine.
Molecular consequence: missense variant.
Genome position (GRCh38, 1-based): chr20:50,958,874, A>G. VCF-style: chr20-50958874-A-G. GRCh37 (hg19) VCF-style: chr20-49575411-A-G.
Other names: short protein forms Q11R.
Identifiers: ClinVar variation 1356730 (VCV001356730.6), dbSNP rs749687549, ClinGen allele CA9909336.